The following is an entry in ClinVar:

NM_024301.5(FKRP):c.1154C>A (p.Ser385Ter)

Gene: FKRP (fukutin related protein; plus strand). Cytogenetic location: 19q13.32.
Variant type: single nucleotide variant.
Coding change: c.1154C>A on transcript NM_024301.5 (MANE Select); coding-DNA position 1154, C replaced by A.
Protein change: p.Ser385Ter; replaces serine 385 with a stop codon.
Molecular consequence: nonsense.
Genome position (GRCh38, 1-based): chr19:46,756,604, C>A. VCF-style: chr19-46756604-C-A. GRCh37 (hg19) VCF-style: chr19-47259861-C-A.
Other names: c.1154C>A, p.Ser385Ter (NM_001039885.3); short protein forms S385*.
Identifiers: ClinVar variation 4219 (VCV000004219.20), dbSNP rs104894680, ClinGen allele CA116697.

ClinVar aggregate classification (germline): Pathogenic/Likely pathogenic. Review status: criteria provided, multiple submitters, no conflicts (2 of 4 stars). 6 submissions from 6 submitters: Pathogenic (4); Likely pathogenic (1). 1 of the submissions does not count toward it. Last evaluated 2025-12-20.

Conditions:
Walker-Warburg congenital muscular dystrophy. Also called: Muscular dystrophy-dystroglycanopathy, type A; Walker-Warburg syndrome. Identifiers: Orphanet 899, MedGen C0265221, MONDO:0000171.
Muscular dystrophy-dystroglycanopathy type B5 (MDDGB5). Also called: MUSCULAR DYSTROPHY, CONGENITAL, 1C; MUSCULAR DYSTROPHY, CONGENITAL, FKRP-RELATED; MUSCULAR DYSTROPHY-DYSTROGLYCANOPATHY (CONGENITAL WITH OR WITHOUT IMPAIRED INTELLECTUAL DEVELOPMENT), TYPE B, 5. Identifiers: MedGen C1847759, MONDO:0011688, OMIM 606612.
Autosomal recessive limb-girdle muscular dystrophy type 2I. Also called: MUSCULAR DYSTROPHY-DYSTROGLYCANOPATHY, LIMB-GIRDLE, FRKP-RELATED; MUSCULAR DYSTROPHY, LIMB-GIRDLE, TYPE 2I; MUSCULAR DYSTROPHY-DYSTROGLYCANOPATHY (LIMB-GIRDLE), TYPE C, 5. Identifiers: Orphanet 34515, MedGen C1846672, MONDO:0011787, OMIM 607155.
Muscular dystrophy-dystroglycanopathy (congenital with brain and eye anomalies), type A5. Also called: WALKER-WARBURG SYNDROME OR MUSCLE-EYE-BRAIN DISEASE, FKRP-RELATED; MUSCULAR DYSTROPHY-DYSTROGLYCANOPATHY (CONGENITAL WITH BRAIN AND EYE ANOMALIES), TYPE A, 5. Identifiers: Orphanet 588, Orphanet 899, MedGen C3150413, MONDO:0013157, OMIM 613153.
Cardiovascular phenotype. Identifiers: MedGen CN230736.
Muscular dystrophy-dystroglycanopathy (congenital without impaired intellectual development), type B, 5. Identifiers: MedGen C4016970.

gnomAD v4.1: 19 of 1,611,280 alleles (0.0012%); highest among the groups gnomAD compares: Non-Finnish European, 0.0015%; no homozygotes.

Submissions (6):

Labcorp Genetics (formerly Invitae), Labcorp
Classification: Pathogenic for Walker-Warburg congenital muscular dystrophy. Last evaluated: 2025-12-20. Review status: criteria provided, single submitter. Criteria: Invitae Variant Classification Sherloc (09022015). Collection method: clinical testing. Allele origin: germline.
Comment: This sequence change creates a premature translational stop signal (p.Ser385*) in the FKRP gene. While this is not anticipated to result in nonsense mediated decay, it is expected to disrupt the last 111 amino acid(s) of the FKRP protein. The frequency data for this variant in the population databases is considered unreliable, as metrics indicate poor data quality at this position in the gnomAD database. This premature translational stop signal has been observed in individuals with congenital muscular dystrophy and limb girdle muscular dystrophy (PMID: 11592034, 12666124, 12707425, 14742276). This variant is also known as Ser384*. ClinVar contains an entry for this variant (Variation ID: 4219). For these reasons, this variant has been classified as Pathogenic.

Fulgent Genetics
Classification: Likely pathogenic for Muscular dystrophy-dystroglycanopathy type B5; Autosomal recessive limb-girdle muscular dystrophy type 2I; Muscular dystrophy-dystroglycanopathy (congenital with brain and eye anomalies), type A5. Last evaluated: 2024-02-21. Review status: criteria provided, single submitter. Criteria: ACMG Guidelines, 2015. Collection method: clinical testing. Allele origin: germline.

Baylor Genetics
Classification: Pathogenic for Muscular dystrophy-dystroglycanopathy (congenital with brain and eye anomalies), type A5. Last evaluated: 2023-09-12. Review status: criteria provided, single submitter. Criteria: ACMG Guidelines, 2015. Collection method: clinical testing. Allele origin: unknown.

Ambry Genetics
Classification: Pathogenic for Cardiovascular phenotype. Last evaluated: 2023-08-18. Review status: criteria provided, single submitter. Criteria: Ambry Variant Classification Scheme 2023. Collection method: clinical testing. Allele origin: germline.
Comment: The p.S385* pathogenic mutation (also known as c.1154C>A), located in coding exon 1 of the FKRP gene, results from a C to A substitution at nucleotide position 1154. This changes the amino acid from a serine to a stop codon within coding exon 1. This alteration occurs at the 3' terminus of theFKRP gene, is not expected to trigger nonsense-mediated mRNA decay, and impacts the last 111 amino acids (22%) of the protein. However, premature stop codons are typically deleterious in nature, a significant portion of the protein is affected, and the impacted region is critical for protein function (Ambry internal data). This mutation has been detected in the compound heterozygous state with other FKRP variants in individuals with congenital and limb-girdle muscular dystrophies (Brockington M et al. Am J Hum Genet. 2001 Dec;69(6):1198-209; Poppe M et al. Neurology. 2003 Apr;60(8):1246-51). This variant is considered to be rare based on population cohorts in the Genome Aggregation Database (gnomAD). Based on the supporting evidence, this alteration is interpreted as a disease-causing mutation.

Revvity Omics, Revvity
Classification: Pathogenic. Last evaluated: 2021-12-29. Review status: criteria provided, single submitter. Criteria: ACMG Guidelines, 2015. Collection method: clinical testing. Allele origin: germline.

OMIM
Classification: Pathogenic for MUSCULAR DYSTROPHY-DYSTROGLYCANOPATHY (CONGENITAL WITHOUT IMPAIRED INTELLECTUAL DEVELOPMENT), TYPE B, 5. Last evaluated: 2001-12-01. Review status: no assertion criteria provided. Collection method: literature only. Allele origin: germline. Not counted in ClinVar's aggregate classification.

Literature cited by the submitters: PubMed 11592034 (cited by 3 submitters); PubMed 12666124 (cited by Labcorp Genetics (formerly Invitae), Labcorp); PubMed 12707425 (cited by Labcorp Genetics (formerly Invitae), Labcorp and Ambry Genetics); PubMed 14742276 (cited by Labcorp Genetics (formerly Invitae), Labcorp).